The following is an entry in ClinVar:

ClinVar aggregate classification (germline): Uncertain significance (1 of 4 stars; one submission).

Allele frequency attached by ClinVar (database versions not stated): gnomAD exomes below 0.00001.
gnomAD v4.1: 1 of 1,549,428 alleles (0.000065%); highest among the groups gnomAD compares: Middle Eastern, 0.017%; no homozygotes.

Submission:

Labcorp Genetics (formerly Invitae), Labcorp
Classification: Uncertain significance. Last evaluated: 2022-07-06. Review status: criteria provided, single submitter. Criteria: Invitae Variant Classification Sherloc (09022015). Collection method: clinical testing. Allele origin: germline.
Comment: This sequence change replaces glutamic acid, which is acidic and polar, with lysine, which is basic and polar, at codon 3102 of the EYS protein (p.Glu3102Lys). This variant is not present in population databases (gnomAD no frequency). This variant has not been reported in the literature in individuals affected with EYS-related conditions. Algorithms developed to predict the effect of missense changes on protein structure and function are either unavailable or do not agree on the potential impact of this missense change (SIFT: "Tolerated"; PolyPhen-2: "Possibly Damaging"; Align-GVGD: "Class C0"). In summary, the available evidence is currently insufficient to determine the role of this variant in disease. Therefore, it has been classified as a Variant of Uncertain Significance.

NM_001142800.2(EYS):c.9304G>A (p.Glu3102Lys)

Genes: EYS (eyes shut homolog; minus strand), PHF3 (PHD finger protein 3; plus strand). Cytogenetic location: 6q12.
Variant type: single nucleotide variant.
Coding change: c.9304G>A on transcript NM_001142800.2 (MANE Select); coding-DNA position 9304, G replaced by A.
Protein change: p.Glu3102Lys; replaces glutamic acid 3102 with lysine.
Molecular consequence: missense variant. On other transcripts: 3 prime UTR variant (5).
Genome position (GRCh38, 1-based): chr6:63,720,727, C>T on the plus strand (G>A on the coding strand, the complement: EYS is on the minus strand). VCF-style: chr6-63720727-C-T. GRCh37 (hg19) VCF-style: chr6-64430623-C-T.
Other names: c.*7019C>T (NM_001290259.2, NM_001370348.2, NM_001370349.2 and 2 more transcripts); c.9367G>A, p.Glu3123Lys (NM_001292009.2); short protein forms E3102K, E3123K.
Identifiers: ClinVar variation 2165711 (VCV002165711.1), dbSNP rs2533385384, ClinGen allele CA364382788.